The following is an entry in ClinVar:

ClinVar aggregate classification (germline): Uncertain significance. Review status: criteria provided, multiple submitters, no conflicts (2 of 4 stars). 2 submissions from 2 submitters: Uncertain significance (2). Last evaluated 2024-02-20.

Conditions:
Fanconi anemia, complementation group W. Identifiers: MedGen C4521564, MONDO:0044325, OMIM 617784.

Allele frequency attached by ClinVar (database versions not stated): gnomAD exomes below 0.00001; TOPMed below 0.00001; gnomAD 0.00001.
gnomAD v4.1: 3 of 1,613,752 alleles (0.00019%); highest among the groups gnomAD compares: East Asian, 0.0045%; no homozygotes.

Submissions (2):

Fulgent Genetics
Classification: Uncertain significance for Fanconi anemia, complementation group W. Last evaluated: 2024-02-20. Review status: criteria provided, single submitter. Criteria: ACMG Guidelines, 2015. Collection method: clinical testing. Allele origin: germline.

Labcorp Genetics (formerly Invitae), Labcorp
Classification: Uncertain significance. Last evaluated: 2023-10-16. Review status: criteria provided, single submitter. Criteria: Invitae Variant Classification Sherloc (09022015). Collection method: clinical testing. Allele origin: germline.
Comment: This sequence change affects codon 656 of the RFWD3 mRNA. It is a 'silent' change, meaning that it does not change the encoded amino acid sequence of the RFWD3 protein. It affects a nucleotide within the consensus splice site. This variant is present in population databases (no rsID available, gnomAD 0.01%). This variant has not been reported in the literature in individuals affected with RFWD3-related conditions. Algorithms developed to predict the effect of sequence changes on RNA splicing suggest that this variant is not likely to affect RNA splicing. In summary, the available evidence is currently insufficient to determine the role of this variant in disease. Therefore, it has been classified as a Variant of Uncertain Significance.

NM_018124.4(RFWD3):c.1968T>C (p.Pro656=)

Gene: RFWD3 (ring finger and WD repeat domain 3; minus strand). Cytogenetic location: 16q23.1.
Variant type: single nucleotide variant.
Coding change: c.1968T>C on transcript NM_018124.4 (MANE Select); coding-DNA position 1968, T replaced by C.
Protein change: p.Pro656=; no amino-acid change (proline 656 retained).
Molecular consequence: synonymous variant.
Genome position (GRCh38, 1-based): chr16:74,628,453, A>G on the plus strand (T>C on the coding strand, the complement: RFWD3 is on the minus strand). VCF-style: chr16-74628453-A-G. GRCh37 (hg19) VCF-style: chr16-74662351-A-G.
Other names: c.1968T>C, p.Pro656= (NM_001370534.1, NM_001370535.1); c.1791T>C, p.Pro597= (NM_001370536.1); c.1134T>C, p.Pro378= (NM_001370537.1, NM_001370539.1, NM_001370540.1 and 3 more transcripts).
Identifiers: ClinVar variation 2807145 (VCV002807145.4), dbSNP rs1294963127, ClinGen allele CA496537791.